The following is an entry in ClinVar:

ClinVar aggregate classification (germline): Uncertain significance (1 of 4 stars; one submission).

Conditions:
Nemaline myopathy 8 (NEM8). Also called: Nemaline myopathy 8, autosomal recessive. Identifiers: Orphanet 171430, MedGen C3809209, MONDO:0014138, OMIM 615348.

Submission:

Labcorp Genetics (formerly Invitae), Labcorp
Classification: Uncertain significance for Nemaline myopathy 8. Last evaluated: 2022-04-28. Review status: criteria provided, single submitter. Criteria: Invitae Variant Classification Sherloc (09022015). Collection method: clinical testing. Allele origin: germline.
Comment: In summary, the available evidence is currently insufficient to determine the role of this variant in disease. Therefore, it has been classified as a Variant of Uncertain Significance. Algorithms developed to predict the effect of missense changes on protein structure and function (SIFT, PolyPhen-2, Align-GVGD) all suggest that this variant is likely to be disruptive. This variant has not been reported in the literature in individuals affected with KLHL40-related conditions. This variant is not present in population databases (gnomAD no frequency). This sequence change replaces leucine, which is neutral and non-polar, with proline, which is neutral and non-polar, at codon 74 of the KLHL40 protein (p.Leu74Pro).

NM_152393.4(KLHL40):c.221T>C (p.Leu74Pro)

Gene: KLHL40 (kelch like family member 40; plus strand). Cytogenetic location: 3p22.1.
Variant type: single nucleotide variant.
Coding change: c.221T>C on transcript NM_152393.4 (MANE Select); coding-DNA position 221, T replaced by C.
Protein change: p.Leu74Pro; replaces leucine 74 with proline.
Molecular consequence: missense variant.
Genome position (GRCh38, 1-based): chr3:42,685,839, T>C. VCF-style: chr3-42685839-T-C. GRCh37 (hg19) VCF-style: chr3-42727331-T-C.
Other names: short protein forms L74P.
Identifiers: ClinVar variation 2131253 (VCV002131253.4), dbSNP rs2471307284, ClinGen allele CA352288922.